The following is an entry in ClinVar:

NM_001081550.2(THOC2):c.1240A>T (p.Asn414Tyr)

Gene: THOC2 (THO complex subunit 2; minus strand). Cytogenetic location: Xq25.
Variant type: single nucleotide variant.
Coding change: c.1240A>T on transcript NM_001081550.2 (MANE Select); coding-DNA position 1240, A replaced by T.
Protein change: p.Asn414Tyr; replaces asparagine 414 with tyrosine.
Molecular consequence: missense variant.
Genome position (GRCh38, 1-based): chrX:123,665,788, T>A on the plus strand (A>T on the coding strand, the complement: THOC2 is on the minus strand). VCF-style: chrX-123665788-T-A. GRCh37 (hg19) VCF-style: chrX-122799639-T-A.
Other names: c.1240A>T (NM_001081550.1); short protein forms N414Y.
Identifiers: ClinVar variation 1335790 (VCV001335790.38), dbSNP rs1304440218, ClinGen allele CA414270318.

ClinVar aggregate classification (germline): Uncertain significance. Review status: criteria provided, multiple submitters, no conflicts (2 of 4 stars). 3 submissions from 3 submitters: Uncertain significance (3). Last evaluated 2023-08-08.

Conditions:
Inborn genetic diseases. Identifiers: MedGen C0950123, MeSH D030342.

Allele frequency attached by ClinVar (database versions not stated): gnomAD exomes 0.00001; TOPMed 0.00002; gnomAD 0.00004 and 0.00005.
gnomAD v4.1: 14 of 1,197,794 alleles (0.0012%); highest among the groups gnomAD compares: Non-Finnish European, 0.0015%; no homozygotes.

Submissions (3):

GeneDx
Classification: Uncertain significance. Last evaluated: 2023-08-08. Review status: criteria provided, single submitter. Criteria: GeneDx Variant Classification Process June 2021. Collection method: clinical testing. Allele origin: germline. Affected: yes.
Comment: Not observed at significant frequency in large population cohorts (gnomAD); In silico analysis supports that this missense variant has a deleterious effect on protein structure/function; Has not been previously published as pathogenic or benign to our knowledge

Ambry Genetics
Classification: Uncertain significance for Inborn genetic diseases. Last evaluated: 2022-09-07. Review status: criteria provided, single submitter. Criteria: Ambry Variant Classification Scheme 2023. Collection method: clinical testing. Allele origin: germline.

CeGaT Center for Human Genetics Tuebingen
Classification: Uncertain significance. Last evaluated: 2021-11-01. Review status: criteria provided, single submitter. Criteria: CeGaT Center For Human Genetics Tuebingen Variant Classification Criteria Version 2. Collection method: clinical testing. Allele origin: germline. Affected: yes. Observed: 1 variant allele.